The following is an entry in ClinVar:

ClinVar aggregate classification (germline): Uncertain significance (1 of 4 stars; one submission).

Submission:

GeneDx
Classification: Uncertain significance. Last evaluated: 2021-06-09. Review status: criteria provided, single submitter. Criteria: GeneDx Variant Classification Process June 2021. Collection method: clinical testing. Allele origin: germline. Affected: yes.
Comment: Not observed at significant frequency in large population cohorts (Lek et al., 2016); In silico analysis supports that this missense variant does not alter protein structure/function; Has not been previously published as pathogenic or benign to our knowledge; This variant is associated with the following publications: (PMID: 27535533)

NM_020699.4(GATAD2B):c.1288C>T (p.His430Tyr)

Gene: GATAD2B (GATA zinc finger domain containing 2B; minus strand). Cytogenetic location: 1q21.3.
Variant type: single nucleotide variant.
Coding change: c.1288C>T on transcript NM_020699.4 (MANE Select); coding-DNA position 1288, C replaced by T.
Protein change: p.His430Tyr; replaces histidine 430 with tyrosine.
Molecular consequence: missense variant.
Genome position (GRCh38, 1-based): chr1:153,813,381, G>A on the plus strand (C>T on the coding strand, the complement: GATAD2B is on the minus strand). VCF-style: chr1-153813381-G-A. GRCh37 (hg19) VCF-style: chr1-153785857-G-A.
Other names: short protein forms H430Y.
Identifiers: ClinVar variation 1327707 (VCV001327707.2), dbSNP rs2101876387, ClinGen allele CA342524790.